The following is an entry in ClinVar:

ClinVar aggregate classification (germline): Conflicting classifications of pathogenicity. Review status: criteria provided, conflicting classifications (1 of 4 stars). 5 submissions from 5 submitters: Uncertain significance (3); Likely benign (2). Last evaluated 2025-12-01.

Allele frequency attached by ClinVar (database versions not stated): gnomAD 0.00110 and 0.00113; gnomAD exomes 0.00111; 1000 Genomes Project 0.00140; TOPMed 0.00147; ExAC 0.00155.
gnomAD v4.1: 1,648 of 1,418,186 alleles (0.12%); highest among the groups gnomAD compares: Middle Eastern, 1.6%; 6 homozygotes.

Submissions (5):

CeGaT Center for Human Genetics Tuebingen
Classification: Likely benign. Last evaluated: 2025-12-01. Review status: criteria provided, single submitter. Criteria: CeGaT Center For Human Genetics Tuebingen Variant Classification Criteria Version 2. Collection method: clinical testing. Allele origin: germline. Affected: yes. Observed: 3 variant alleles.
Comment: SCARF2: BS2

Labcorp Genetics (formerly Invitae), Labcorp
Classification: Likely benign. Last evaluated: 2025-11-23. Review status: criteria provided, single submitter. Criteria: Invitae Variant Classification Sherloc (09022015). Collection method: clinical testing. Allele origin: germline.

Center for Pediatric Genomic Medicine, Children's Mercy Hospital and Clinics
Classification: Uncertain significance. Last evaluated: 2017-03-07. Review status: criteria provided, single submitter. Criteria: ACMG Guidelines, 2015. Collection method: clinical testing. Allele origin: germline.

Genetic Services Laboratory, University of Chicago
Classification: Uncertain significance. Last evaluated: 2016-04-08. Review status: criteria provided, single submitter. Criteria: ACMG Guidelines, 2015. Collection method: clinical testing. Allele origin: germline. Affected: no.

Breakthrough Genomics
Classification: Uncertain significance. Review status: criteria provided, single submitter. Criteria: ACMG Guidelines, 2015. Collection method: not provided. Allele origin: germline. Inheritance: Autosomal dominant inheritance. Affected: yes.

NM_182895.5(SCARF2):c.2522C>T (p.Thr841Ile)

Gene: SCARF2 (scavenger receptor class F member 2; minus strand). Cytogenetic location: 22q11.21.
Variant type: single nucleotide variant.
Coding change: c.2522C>T on transcript NM_182895.5 (MANE Select); coding-DNA position 2522, C replaced by T.
Protein change: p.Thr841Ile; replaces threonine 841 with isoleucine.
Molecular consequence: missense variant.
Genome position (GRCh38, 1-based): chr22:20,425,454, G>A on the plus strand (C>T on the coding strand, the complement: SCARF2 is on the minus strand). VCF-style: chr22-20425454-G-A. GRCh37 (hg19) VCF-style: chr22-20779744-G-A.
Other names: c.2537C>T, p.Thr846Ile (NM_153334.7); short protein forms T846I, T841I.
Identifiers: ClinVar variation 436646 (VCV000436646.35), dbSNP rs537247534, ClinGen allele CA10112146.